The following is an entry in ClinVar:

NM_001375654.1(RP1):c.3351T>C (p.Asn1117=)

Gene: RP1 (RP1 axonemal microtubule associated; plus strand). Cytogenetic location: 8q12.1.
Variant type: single nucleotide variant.
Coding change: c.3351T>C on transcript NM_001375654.1; coding-DNA position 3351, T replaced by C.
Protein change: p.Asn1117=; no amino-acid change (asparagine 1117 retained).
Molecular consequence: synonymous variant.
Genome position (GRCh38, 1-based): chr8:54,770,166, T>C. VCF-style: chr8-54770166-T-C. GRCh37 (hg19) VCF-style: chr8-55682726-T-C.
Identifiers: ClinVar variation 3257151 (VCV003257151.16).

ClinVar aggregate classification (germline): Likely benign (1 of 4 stars; one submission).

Submission:

CeGaT Center for Human Genetics Tuebingen
Classification: Likely benign. Last evaluated: 2024-07-01. Review status: criteria provided, single submitter. Criteria: CeGaT Center For Human Genetics Tuebingen Variant Classification Criteria Version 2. Collection method: clinical testing. Allele origin: germline. Affected: yes. Observed: 1 variant allele.
Comment: RP1: PM2:Supporting, BP4, BP7